The following is an entry in ClinVar:

ClinVar aggregate classification (germline): Uncertain significance (1 of 4 stars; one submission).

Submission:

GeneDx
Classification: Uncertain significance. Last evaluated: 2026-02-28. Review status: criteria provided, single submitter. Criteria: GeneDx Variant Classification Process June 2021. Collection method: clinical testing. Allele origin: germline.
Comment: Reported in an individual with atrioventricular canal defects with no extracardiac or neurodevelopmental features in published literature (PMID: 40127276); Not observed at significant frequency in large population cohorts (gnomAD); In silico analysis suggests that this missense variant does not alter protein structure/function; Missense variants in this gene are a common cause of disease and they are underrepresented in the general population; This variant is associated with the following publications: (PMID: 29493581, 40127276)

NM_005633.4(SOS1):c.2211C>G (p.Ile737Met)

Gene: SOS1 (SOS Ras/Rac guanine nucleotide exchange factor 1; minus strand). Cytogenetic location: 2p22.1.
Variant type: single nucleotide variant.
Coding change: c.2211C>G on transcript NM_005633.4 (MANE Select); coding-DNA position 2211, C replaced by G.
Protein change: p.Ile737Met; replaces isoleucine 737 with methionine.
Molecular consequence: missense variant.
Genome position (GRCh38, 1-based): chr2:39,012,305, G>C on the plus strand (C>G on the coding strand, the complement: SOS1 is on the minus strand). VCF-style: chr2-39012305-G-C. GRCh37 (hg19) VCF-style: chr2-39239446-G-C.
Other names: c.2190C>G, p.Ile730Met (NM_001382394.1); c.2211C>G, p.Ile737Met (NM_001382395.1); short protein forms I730M, I737M.
Identifiers: ClinVar variation 5009880 (VCV005009880.1).